The following is an entry in ClinVar:

ClinVar aggregate classification (germline): Conflicting classifications of pathogenicity. Review status: criteria provided, conflicting classifications (1 of 4 stars). 2 submissions from 2 submitters: Uncertain significance (1); Likely benign (1). Last evaluated 2024-12-17.

Conditions:
Cardiovascular phenotype. Identifiers: MedGen CN230736.

Allele frequency attached by ClinVar (database versions not stated): gnomAD exomes below 0.00001; TOPMed below 0.00001; gnomAD 0.00001.
gnomAD v4.1: 4 of 1,550,184 alleles (0.00026%); highest among the groups gnomAD compares: Non-Finnish European, 0.00035%; no homozygotes.

Submissions (2):

Ambry Genetics
Classification: Likely benign for Cardiovascular phenotype. Last evaluated: 2024-12-17. Review status: criteria provided, single submitter. Criteria: Ambry Variant Classification Scheme 2023. Collection method: clinical testing. Allele origin: germline.

Labcorp Genetics (formerly Invitae), Labcorp
Classification: Uncertain significance. Last evaluated: 2023-02-16. Review status: criteria provided, single submitter. Criteria: Invitae Variant Classification Sherloc (09022015). Collection method: clinical testing. Allele origin: germline.
Comment: In summary, the available evidence is currently insufficient to determine the role of this variant in disease. Therefore, it has been classified as a Variant of Uncertain Significance. An algorithm developed to predict the effect of missense changes on protein structure and function (PolyPhen-2) suggests that this variant is likely to be disruptive. This variant has not been reported in the literature in individuals affected with ZNF469-related conditions. This variant is not present in population databases (gnomAD no frequency). This sequence change replaces alanine, which is neutral and non-polar, with valine, which is neutral and non-polar, at codon 1927 of the ZNF469 protein (p.Ala1927Val).

NM_001367624.2(ZNF469):c.5864C>T (p.Ala1955Val)

Gene: ZNF469 (zinc finger protein 469; plus strand). Cytogenetic location: 16q24.2.
Variant type: single nucleotide variant.
Coding change: c.5864C>T on transcript NM_001367624.2 (MANE Select); coding-DNA position 5864, C replaced by T.
Protein change: p.Ala1955Val; replaces alanine 1955 with valine.
Molecular consequence: missense variant.
Genome position (GRCh38, 1-based): chr16:88,433,334, C>T. VCF-style: chr16-88433334-C-T. GRCh37 (hg19) VCF-style: chr16-88499742-C-T.
Other names: NM_001127464.1:c.5780C>T; short protein forms A1955V.
Identifiers: ClinVar variation 2837933 (VCV002837933.4), dbSNP rs1299711051, ClinGen allele CA397102815.
Genomic context (GRCh38, chr16:88,433,334, plus strand): 5'-TGAACCCCTCAGGTCTGGAAGGGGGCACTGTGGAAGGAGGGAAGGTGGCCTGTGGCCCCG[C>T]CCAGGGCTCCCCAGGGGGTGTGCAGGTGACAACTCTCCCTGCAGTGGCCGGACATCAGCT-3'
Protein context (NP_001354553.1, residues 1945-1965): VEGGKVACGP[Ala1955Val]QGSPGGVQVT